The following is an entry in ClinVar:

ClinVar aggregate classification (germline): Uncertain significance (1 of 4 stars; one submission).

Conditions:
Dilated cardiomyopathy 1HH (CMD1HH). Identifiers: Orphanet 154, MedGen C3151293, MONDO:0013479, OMIM 613881.
Myofibrillar myopathy 6. Identifiers: Orphanet 199340, MedGen C2751831, MONDO:0013061, OMIM 612954.

Submission:

Labcorp Genetics (formerly Invitae), Labcorp
Classification: Uncertain significance for Dilated cardiomyopathy 1HH; Myofibrillar myopathy 6. Last evaluated: 2025-10-11. Review status: criteria provided, single submitter. Criteria: Invitae Variant Classification Sherloc (09022015). Collection method: clinical testing. Allele origin: germline.
Comment: This sequence change replaces lysine, which is basic and polar, with asparagine, which is neutral and polar, at codon 60 of the BAG3 protein (p.Lys60Asn). This variant also falls at the last nucleotide of exon 1, which is part of the consensus splice site for this exon. This variant is not present in population databases (gnomAD no frequency). This variant has not been reported in the literature in individuals affected with BAG3-related conditions. An algorithm developed to predict the effect of missense changes on protein structure and function (PolyPhen-2) suggests that this variant is likely to be disruptive. Variants that disrupt the consensus splice site are a relatively common cause of aberrant splicing (PMID: 17576681, 9536098). Algorithms developed to predict the effect of sequence changes on RNA splicing suggest that this variant may disrupt the consensus splice site. In summary, the available evidence is currently insufficient to determine the role of this variant in disease. Therefore, it has been classified as a Variant of Uncertain Significance.

Literature cited by the submitters: PubMed 17576681; PubMed 9536098.

NM_004281.4(BAG3):c.180G>C (p.Lys60Asn)

Gene: BAG3 (BAG cochaperone 3; plus strand). Cytogenetic location: 10q26.11.
Variant type: single nucleotide variant.
Coding change: c.180G>C on transcript NM_004281.4 (MANE Select); coding-DNA position 180, G replaced by C.
Protein change: p.Lys60Asn; replaces lysine 60 with asparagine.
Molecular consequence: missense variant.
Genome position (GRCh38, 1-based): chr10:119,651,855, G>C. VCF-style: chr10-119651855-G-C. GRCh37 (hg19) VCF-style: chr10-121411367-G-C.
Other names: short protein forms K60N.
Identifiers: ClinVar variation 4786328 (VCV004786328.1).
Genomic context (GRCh38, chr10:119,651,855, plus strand): 5'-GGACCACAACAGCCGCACCACTACGTGGAACGACCCGCGCGTGCCCTCTGAGGGCCCCAA[G>C]GTGAGCCGGGCCCGCGGCCCGCCCTGGTCGGTGGCGCCACCTCGACGGCAGGCGGCGGGG-3'
Protein context (NP_004272.2, residues 50-70): NDPRVPSEGP[Lys60Asn]ETPSSANGPS